The following is an entry in ClinVar:

NM_001350814.2(GRB10):c.52-6957C>T

Gene: GRB10 (growth factor receptor bound protein 10; minus strand). Cytogenetic location: 7p12.1.
Variant type: single nucleotide variant.
Coding change: c.52-6957C>T on transcript NM_001350814.2 (MANE Select); 6957 bases into the intron before coding-DNA position 52, C replaced by T.
Molecular consequence: intron variant.
Genome position (GRCh38, 1-based): chr7:50,710,865, G>A on the plus strand (C>T on the coding strand, the complement: GRB10 is on the minus strand). VCF-style: chr7-50710865-G-A. GRCh37 (hg19) VCF-style: chr7-50778562-G-A.
Other names: c.-36+21407C>T (NM_001371008.1); c.-123-6957C>T (NM_001001555.3); c.254-36207C>T (NM_001350815.2); c.287-36207C>T (NM_001371009.1); c.52-6957C>T (NM_001001549.3); c.-124+10C>T (NM_001350816.3).
Identifiers: ClinVar variation 3044427 (VCV003044427.2), dbSNP rs202059826, ClinGen allele CA4263108.

ClinVar aggregate classification (germline): Likely benign (0 of 4 stars; one submission).

Conditions:
GRB10-related disorder. Also called: GRB10-related condition.

Allele frequency attached by ClinVar (database versions not stated): 1000 Genomes Project 30x 0.00203; 1000 Genomes Project 0.00220; gnomAD 0.00450; TOPMed 0.00451; ExAC 0.00461; ESP Exome Variant Server 0.00698; gnomAD exomes 0.00719.
gnomAD v4.1: 11,060 of 1,612,372 alleles (0.69%); highest among the groups gnomAD compares: Non-Finnish European, 0.85%; 53 homozygotes.

Submission:

PreventionGenetics, part of Exact Sciences
Classification: Likely benign for GRB10-related condition. Last evaluated: 2019-03-09. Review status: no assertion criteria provided. Collection method: clinical testing. Allele origin: germline.
Comment: This variant is classified as likely benign based on ACMG/AMP sequence variant interpretation guidelines (Richards et al. 2015 PMID: 25741868, with internal and published modifications).